The following is an entry in ClinVar:

NM_003664.5(AP3B1):c.2016T>C (p.Ala672=)

Gene: AP3B1 (adaptor related protein complex 3 subunit beta 1; minus strand). Cytogenetic location: 5q14.1.
Variant type: single nucleotide variant.
Coding change: c.2016T>C on transcript NM_003664.5 (MANE Select); coding-DNA position 2016, T replaced by C.
Protein change: p.Ala672=; no amino-acid change (alanine 672 retained).
Molecular consequence: synonymous variant.
Genome position (GRCh38, 1-based): chr5:78,116,187, A>G on the plus strand (T>C on the coding strand, the complement: AP3B1 is on the minus strand). VCF-style: chr5-78116187-A-G. GRCh37 (hg19) VCF-style: chr5-77412011-A-G.
Other names: p.Ala672=; c.1869T>C, p.Ala623= (NM_001271769.2).
Identifiers: ClinVar variation 162752 (VCV000162752.25), dbSNP rs42360, ClinGen allele CA175256.

ClinVar aggregate classification (germline): Benign/Likely benign. Review status: criteria provided, multiple submitters, no conflicts (2 of 4 stars). 9 submissions from 9 submitters: Benign (8); Likely benign (1). Last evaluated 2026-02-04.

Conditions:
Hermansky-Pudlak syndrome 2 (HPS2). Also called: Platelet defects and oculocutaneous albinism. Identifiers: Orphanet 183678, Orphanet 79430, MedGen C1842362, MONDO:0011997, OMIM 608233.

Allele frequency attached by ClinVar (database versions not stated): 1000 Genomes Project 0.18890; 1000 Genomes Project 30x 0.19347; ExAC 0.20707; gnomAD exomes 0.21299 and 0.22950; gnomAD 0.23397 and 0.23948; ESP Exome Variant Server 0.24204; TOPMed 0.24419.
gnomAD v4.1: 369,850 of 1,612,438 alleles (23%); highest among the groups gnomAD compares: Admixed American, 31%; 44,621 homozygotes.

Submissions (9):

Labcorp Genetics (formerly Invitae), Labcorp
Classification: Benign for Hermansky-Pudlak syndrome 2. Last evaluated: 2026-02-04. Review status: criteria provided, single submitter. Criteria: Invitae Variant Classification Sherloc (09022015). Collection method: clinical testing. Allele origin: germline.

Women's Health and Genetics/Laboratory Corporation of America, LabCorp
Classification: Benign. Last evaluated: 2025-02-09. Review status: criteria provided, single submitter. Criteria: LabCorp Variant Classification Summary - May 2015. Collection method: clinical testing. Allele origin: germline.

Blueprint Genetics
Classification: Likely benign. Last evaluated: 2024-11-26. Review status: criteria provided, single submitter. Criteria: ACMG Guidelines, 2015. Collection method: clinical testing. Allele origin: germline.

Unidad de Genómica Garrahan, Hospital de Pediatría Garrahan
Classification: Benign. Last evaluated: 2023-11-12. Review status: criteria provided, single submitter. Criteria: ACMG Guidelines, 2015. Collection method: clinical testing. Allele origin: germline. Affected: no. Observed: 44 variant alleles.
Comment: This variant is classified as Benign based on local population frequency. This variant was detected in 46% of patients studied by a panel of primary immunodeficiencies. Number of patients: 44. Only high quality variants are reported.

Mayo Clinic Laboratories, Mayo Clinic
Classification: Benign. Last evaluated: 2022-09-29. Review status: criteria provided, single submitter. Criteria: ACMG Guidelines, 2015. Collection method: clinical testing. Allele origin: germline. Observed: 982 variant alleles.

GeneDx
Classification: Benign. Last evaluated: 2018-11-27. Review status: criteria provided, single submitter. Criteria: GeneDx Variant Classification Process June 2021. Collection method: clinical testing. Allele origin: germline. Affected: yes.

Laboratory for Molecular Medicine, Mass General Brigham Personalized Medicine
Classification: Benign. Last evaluated: 2013-02-21. Review status: criteria provided, single submitter. Criteria: LMM Criteria. Collection method: clinical testing. Allele origin: germline. Observed: 32 variant alleles.
Comment: Ala672Ala in exon 18 of AP3B1: This variant is not expected to have clinical sig nificance because it does not alter an amino acid residue and is not located wit hin the splice consensus sequence. It has been identified in 25.8% (1135/4406) o f African American chromosomes from a broad population by the NHLBI Exome Sequen cing Project (dbSNP rs42360).

Breakthrough Genomics
Classification: Benign. Review status: criteria provided, single submitter. Criteria: ACMG Guidelines, 2015. Collection method: not provided. Allele origin: germline. Inheritance: Autosomal recessive inheritance. Affected: yes.

PreventionGenetics, part of Exact Sciences
Classification: Benign. Review status: criteria provided, single submitter. Criteria: ACMG Guidelines, 2015. Collection method: clinical testing. Allele origin: germline.